The following is an entry in ClinVar:

ClinVar aggregate classification (germline): Uncertain significance (1 of 4 stars; one submission).

Submission:

Ambry Genetics
Classification: Uncertain significance. Last evaluated: 2024-12-08. Review status: criteria provided, single submitter. Criteria: Ambry Variant Classification Scheme 2023. Collection method: clinical testing. Allele origin: germline.
Comment: The p.P324S variant (also known as c.970C>T), located in coding exon 1 of the CDK12 gene, results from a C to T substitution at nucleotide position 970. The proline at codon 324 is replaced by serine, an amino acid with similar properties. This amino acid position is conserved. In addition, this alteration is predicted to be tolerated by in silico analysis. Based on the available evidence, the clinical significance of this variant remains unclear.

NM_016507.4(CDK12):c.970C>T (p.Pro324Ser)

Genes: CDK12 (cyclin dependent kinase 12; plus strand), LOC126862553 (CDK7 strongly-dependent group 2 enhancer GRCh37_chr17:37618166-37619365; plus strand). Cytogenetic location: 17q12.
Variant type: single nucleotide variant.
Coding change: c.970C>T on transcript NM_016507.4 (MANE Select); coding-DNA position 970, C replaced by T.
Protein change: p.Pro324Ser; replaces proline 324 with serine.
Molecular consequence: missense variant.
Genome position (GRCh38, 1-based): chr17:39,463,041, C>T. VCF-style: chr17-39463041-C-T. GRCh37 (hg19) VCF-style: chr17-37619294-C-T.
Other names: c.970C>T, p.Pro324Ser (NM_015083.4); short protein forms P324S.
Identifiers: ClinVar variation 3489380 (VCV003489380.1).